The following is an entry in ClinVar:

NM_025114.4(CEP290):c.3451G>T (p.Glu1151Ter)

Gene: CEP290 (centrosomal protein 290; minus strand). Cytogenetic location: 12q21.32.
Variant type: single nucleotide variant.
Coding change: c.3451G>T on transcript NM_025114.4 (MANE Select); coding-DNA position 3451, G replaced by T.
Protein change: p.Glu1151Ter; replaces glutamic acid 1151 with a stop codon.
Molecular consequence: nonsense.
Genome position (GRCh38, 1-based): chr12:88,092,691, C>A on the plus strand (G>T on the coding strand, the complement: CEP290 is on the minus strand). VCF-style: chr12-88092691-C-A. GRCh37 (hg19) VCF-style: chr12-88486468-C-A.
Other names: short protein forms E1151*.
Identifiers: ClinVar variation 2026029 (VCV002026029.5), dbSNP rs2500228774, ClinGen allele CA386003759.

ClinVar aggregate classification (germline): Pathogenic. Review status: criteria provided, multiple submitters, no conflicts (2 of 4 stars). 2 submissions from 2 submitters: Pathogenic (2). Last evaluated 2026-06-12.

Conditions:
CEP290-related ciliopathy. Also called: CEP290 ciliopathy. Identifiers: MedGen CN305601, MONDO:0100451.
Meckel-Gruber syndrome. Also called: DYSENCEPHALIA SPLANCHNOCYSTICA; GRUBER SYNDROME; Dysencephalia splachnocystica. Identifiers: Orphanet 564, MedGen C0265215, MONDO:0018921.
Nephronophthisis. Also called: Juvenile Nephronophthisis. Identifiers: Orphanet 655, MedGen C0687120, MONDO:0019005, HP:0000090.
Joubert syndrome. Also called: JOUBERT-BOLTSHAUSER SYNDROME; Familial aplasia of the vermis. Identifiers: Orphanet 475, MedGen C5979921, MONDO:0018772.

Submissions (2):

Myriad Genetics, Inc.
Classification: Pathogenic for CEP290-related ciliopathy. Last evaluated: 2026-06-12. Review status: criteria provided, single submitter. Criteria: Myriad Autosomal Dominant, Autosomal Recessive and X-Linked Classification Criteria (2023). Collection method: clinical testing. Allele origin: unknown.
Comment: NM_025114.3(CEP290):c.3451G>T(E1151*) is expected to be pathogenic in the context of CEP290-related disorders. This variant is predicted to lead to an abnormal or absent protein product due to the creation of a premature termination codon in CEP290, a gene where loss-of-function variants are known to be pathogenic. Please note: this variant was assessed in the context of healthy population screening.

Labcorp Genetics (formerly Invitae), Labcorp
Classification: Pathogenic for Joubert syndrome; Meckel-Gruber syndrome; Nephronophthisis. Last evaluated: 2022-08-22. Review status: criteria provided, single submitter. Criteria: Invitae Variant Classification Sherloc (09022015). Collection method: clinical testing. Allele origin: germline.
Comment: For these reasons, this variant has been classified as Pathogenic. This variant has not been reported in the literature in individuals affected with CEP290-related conditions. This variant is not present in population databases (gnomAD no frequency). This sequence change creates a premature translational stop signal (p.Glu1151*) in the CEP290 gene. It is expected to result in an absent or disrupted protein product. Loss-of-function variants in CEP290 are known to be pathogenic (PMID: 16909394, 17345604, 20690115).

Literature cited by the submitters: PubMed 16909394 (cited by Labcorp Genetics (formerly Invitae), Labcorp); PubMed 17345604 (cited by Labcorp Genetics (formerly Invitae), Labcorp); PubMed 20690115 (cited by Labcorp Genetics (formerly Invitae), Labcorp).